The following is an entry in ClinVar:

NM_006390.4(IPO8):c.570T>C (p.Leu190=)

Gene: IPO8 (importin 8; minus strand). Cytogenetic location: 12p11.21.
Variant type: single nucleotide variant.
Coding change: c.570T>C on transcript NM_006390.4 (MANE Select); coding-DNA position 570, T replaced by C.
Protein change: p.Leu190=; no amino-acid change (leucine 190 retained).
Molecular consequence: synonymous variant.
Genome position (GRCh38, 1-based): chr12:30,680,551, A>G on the plus strand (T>C on the coding strand, the complement: IPO8 is on the minus strand). VCF-style: chr12-30680551-A-G. GRCh37 (hg19) VCF-style: chr12-30833485-A-G.
Identifiers: ClinVar variation 2642813 (VCV002642813.24), dbSNP rs147267141, ClinGen allele CA6499177.

ClinVar aggregate classification (germline): Likely benign (1 of 4 stars; one submission).

Allele frequency attached by ClinVar (database versions not stated): gnomAD exomes 0.00014; TOPMed 0.00034; gnomAD 0.00038; ExAC 0.00068; 1000 Genomes Project 30x 0.00156; 1000 Genomes Project 0.00200.
gnomAD v4.1: 279 of 1,612,604 alleles (0.017%); highest among the groups gnomAD compares: East Asian, 0.56%; 1 homozygote.

Submission:

CeGaT Center for Human Genetics Tuebingen
Classification: Likely benign. Last evaluated: 2025-06-01. Review status: criteria provided, single submitter. Criteria: CeGaT Center For Human Genetics Tuebingen Variant Classification Criteria Version 2. Collection method: clinical testing. Allele origin: germline. Affected: yes. Observed: 3 variant alleles.
Comment: IPO8: BP4, BP7